The following is an entry in ClinVar:

ClinVar aggregate classification (germline): Pathogenic. Review status: criteria provided, single submitter (1 of 4 stars). 2 submissions from 2 submitters: Pathogenic (1). 1 of the submissions does not count toward it. Last evaluated 2024-01-10.

Conditions:
Alstrom syndrome (ALMS). Identifiers: Orphanet 64, MedGen C0268425, MONDO:0008763, OMIM 203800.

Submissions (2):

Institute of Human Genetics, University of Leipzig Medical Center
Classification: Pathogenic for Alstrom syndrome. Last evaluated: 2024-01-10. Review status: criteria provided, single submitter. Criteria: ACMG Guidelines, 2015. Collection method: clinical testing. Allele origin: unknown. Inheritance: Autosomal recessive inheritance. Affected: yes.
Comment: Criteria applied: PVS1,PM3,PM2_SUP

Counsyl
Classification: Likely pathogenic for Alstrom syndrome. Last evaluated: 2018-02-14. Review status: no assertion criteria provided. Collection method: clinical testing. Allele origin: unknown. Not counted in ClinVar's aggregate classification.

Literature cited by the submitters: PubMed 22773737 (cited by Counsyl).

NM_001378454.1(ALMS1):c.3337del (p.Glu1113fs)

Gene: ALMS1 (ALMS1 centrosome and basal body associated protein; plus strand). Cytogenetic location: 2p13.1.
Variant type: Deletion.
Coding change: c.3337del on transcript NM_001378454.1 (MANE Select); coding-DNA position 3337, one base deleted (G; older notation c.3337delG).
Protein change: p.Glu1113fs; shifts the reading frame from glutamic acid 1113.
Molecular consequence: frameshift variant.
Genome position (GRCh38, 1-based): chr2:73,449,864, G deleted. VCF-style (leftmost placement, unchanged base first): chr2-73449863-AG-A. GRCh37 (hg19) VCF-style: chr2-73676990-AG-A.
Other names: c.3340delG (NM_015120.4); c.3340del, p.Glu1114fs (NM_015120.4); short protein forms E1114fs, E1113fs.
Identifiers: ClinVar variation 556729 (VCV000556729.3), dbSNP rs1553403656, ClinGen allele CA658823027.